The following is an entry in ClinVar:

NM_001366145.2(TRPM3):c.974-9403A>G

Gene: TRPM3 (transient receptor potential cation channel subfamily M member 3; minus strand). Cytogenetic location: 9q21.12.
Variant type: single nucleotide variant.
Coding change: c.974-9403A>G on transcript NM_001366145.2 (MANE Select); 9403 bases into the intron before coding-DNA position 974, A replaced by G.
Molecular consequence: intron variant.
Genome position (GRCh38, 1-based): chr9:70,793,682, T>C on the plus strand (A>G on the coding strand, the complement: TRPM3 is on the minus strand). VCF-style: chr9-70793682-T-C. GRCh37 (hg19) VCF-style: chr9-73408598-T-C.
Other names: c.980-9403A>G (NM_001366143.2, NM_001366141.2, NM_001366142.2 and 1 more transcripts); c.974-9403A>G (NM_001366150.2, NM_001366151.2, NM_001007471.4 and 3 more transcripts); c.1049-9403A>G (NM_001366148.2, NM_001366152.2, NM_001366147.2); c.515-9403A>G (NM_206944.5, NM_020952.6, NM_206945.5 and 3 more transcripts); c.590-9403A>G (NM_206947.5, NM_206946.5, NM_001007470.3).
Identifiers: ClinVar variation 5038825 (VCV005038825.1).
Genomic context (GRCh38, chr9:70,793,682, plus strand): 5'-TCTGCTTGCTCTAAGGCAGTCTTCACCTGTCTTTTATCCTGAAGGTCCACATGAGCTGTT[T>C]TGTAACTATGAAAACCTGGCAGGAAAAGAGTCAAGACAGTCCCTCACTTAGAATGATTCA-3'

ClinVar aggregate classification (germline): Likely benign (1 of 4 stars; one submission).

gnomAD v4.1: 445 of 470,218 alleles (0.095%); highest among the groups gnomAD compares: African/African-American, 0.8%; 6 homozygotes.

Submission:

CeGaT Center for Human Genetics Tuebingen
Classification: Likely benign. Last evaluated: 2026-09-01. Review status: criteria provided, single submitter. Criteria: CeGaT Center For Human Genetics Tuebingen Variant Classification Criteria Version 2. Collection method: clinical testing. Allele origin: germline. Affected: yes. Observed: 1 variant allele.
Comment: TRPM3: BS2